The following is an entry in ClinVar:

ClinVar aggregate classification (germline): Uncertain significance (1 of 4 stars; one submission).

Conditions:
Inborn genetic diseases. Identifiers: MedGen C0950123, MeSH D030342.

Submission:

Ambry Genetics
Classification: Uncertain significance for Inborn genetic diseases. Last evaluated: 2026-06-04. Review status: criteria provided, single submitter. Criteria: Ambry Variant Classification Scheme 2023. Collection method: clinical testing. Allele origin: germline.
Comment: The p.Q1730H variant (also known as c.5190G>T), located in coding exon 20 of the FANCM gene, results from a G to T substitution at nucleotide position 5190. The glutamine at codon 1730 is replaced by histidine, an amino acid with highly similar properties. This amino acid position is conserved. In addition, this alteration is predicted to be tolerated by in silico analysis. Based on the available evidence, the clinical significance of this variant remains unclear.

NM_020937.4(FANCM):c.5190G>T (p.Gln1730His)

Gene: FANCM (FA complementation group M; plus strand). Cytogenetic location: 14q21.2.
Variant type: single nucleotide variant.
Coding change: c.5190G>T on transcript NM_020937.4 (MANE Select); coding-DNA position 5190, G replaced by T.
Protein change: p.Gln1730His; replaces glutamine 1730 with histidine.
Molecular consequence: missense variant.
Genome position (GRCh38, 1-based): chr14:45,189,212, G>T. VCF-style: chr14-45189212-G-T. GRCh37 (hg19) VCF-style: chr14-45658415-G-T.
Other names: c.5112G>T, p.Gln1704His (NM_001308133.2); short protein forms Q1704H, Q1730H.
Identifiers: ClinVar variation 4871173 (VCV004871173.1).